The following is an entry in ClinVar:

NM_001457.4(FLNB):c.6680C>G (p.Ser2227Cys)

Gene: FLNB (filamin B; plus strand). Cytogenetic location: 3p14.3.
Variant type: single nucleotide variant.
Coding change: c.6680C>G on transcript NM_001457.4 (MANE Select); coding-DNA position 6680, C replaced by G.
Protein change: p.Ser2227Cys; replaces serine 2227 with cysteine.
Molecular consequence: missense variant.
Genome position (GRCh38, 1-based): chr3:58,154,836, C>G. VCF-style: chr3-58154836-C-G. GRCh37 (hg19) VCF-style: chr3-58140563-C-G.
Other names: c.6773C>G, p.Ser2258Cys (NM_001164317.2); c.6647C>G, p.Ser2216Cys (NM_001164318.2); c.6608C>G, p.Ser2203Cys (NM_001164319.2); short protein forms S2227C, S2258C, S2203C, S2216C.
Identifiers: ClinVar variation 258117 (VCV000258117.17), dbSNP rs138327769, ClinGen allele CA2469462.

ClinVar aggregate classification (germline): Benign/Likely benign. Review status: criteria provided, multiple submitters, no conflicts (2 of 4 stars). 5 submissions from 5 submitters: Benign (3); Likely benign (2). Last evaluated 2026-02-02.

Conditions:
FLNB-Related Spectrum Disorders.

Allele frequency attached by ClinVar (database versions not stated): ESP Exome Variant Server 0.00008; gnomAD exomes 0.00029 and 0.00135; gnomAD 0.00050 and 0.00072; ExAC 0.00108; TOPMed 0.00061; 1000 Genomes Project 30x 0.00515; 1000 Genomes Project 0.00539.
gnomAD v4.1: 564 of 1,613,964 alleles (0.035%); highest among the groups gnomAD compares: East Asian, 0.99%; 4 homozygotes.

Submissions (5):

Labcorp Genetics (formerly Invitae), Labcorp
Classification: Benign. Last evaluated: 2026-02-02. Review status: criteria provided, single submitter. Criteria: Invitae Variant Classification Sherloc (09022015). Collection method: clinical testing. Allele origin: germline.

Blueprint Genetics
Classification: Likely benign. Last evaluated: 2024-11-25. Review status: criteria provided, single submitter. Criteria: ACMG Guidelines, 2015. Collection method: clinical testing. Allele origin: germline.

GeneDx
Classification: Benign. Last evaluated: 2020-03-10. Review status: criteria provided, single submitter. Criteria: GeneDx Variant Classification Process June 2021. Collection method: clinical testing. Allele origin: germline. Affected: yes.

Illumina Laboratory Services, Illumina
Classification: Likely benign for FLNB-Related Spectrum Disorders. Last evaluated: 2018-01-12. Review status: criteria provided, single submitter. Criteria: ICSL Variant Classification Criteria 13 December 2019. Collection method: clinical testing. Allele origin: germline.
Comment: This variant was observed in the ICSL laboratory as part of a predisposition screen in an ostensibly healthy population. It had not been previously curated by ICSL or reported in the Human Gene Mutation Database (HGMD: prior to June 1st, 2018), and was therefore a candidate for classification through an automated scoring system. Utilizing variant allele frequency, disease prevalence and penetrance estimates, and inheritance mode, an automated score was calculated to assess if this variant is too frequent to cause the disease. Based on the score and internal cut-off values, a variant classified as likely benign is not then subjected to further curation. The score for this variant resulted in a classification of likely benign for this disease.

PreventionGenetics, part of Exact Sciences
Classification: Benign. Review status: criteria provided, single submitter. Criteria: ACMG Guidelines, 2015. Collection method: clinical testing. Allele origin: germline.